The following is an entry in ClinVar:

NM_000059.4(BRCA2):c.5305G>A (p.Asp1769Asn)

Gene: BRCA2 (BRCA2 DNA repair associated; plus strand). Cytogenetic location: 13q13.1.
Variant type: single nucleotide variant.
Coding change: c.5305G>A on transcript NM_000059.4 (MANE Select); coding-DNA position 5305, G replaced by A.
Protein change: p.Asp1769Asn; replaces aspartic acid 1769 with asparagine.
Molecular consequence: missense variant. On other transcripts: non-coding transcript variant (1), intron variant (2).
Genome position (GRCh38, 1-based): chr13:32,339,660, G>A. VCF-style: chr13-32339660-G-A. GRCh37 (hg19) VCF-style: chr13-32913797-G-A.
Other names: c.5305G>A, p.Asp1769Asn (NM_001406719.1, NM_001406720.1, NM_001432077.1); c.1910-4898G>A (NM_001406721.1); c.425-4898G>A (NM_001406722.1); short protein forms D1769N.
Identifiers: ClinVar variation 4802310 (VCV004802310.1).
Genomic context (GRCh38, chr13:32,339,660, plus strand): 5'-TATTCCTACCATTCTGATGAGGTATATAATGATTCAGGATATCTCTCAAAAAATAAACTT[G>A]ATTCTGGTATTGAGCCAGTATTGAAGAATGTTGAAGATCAAAAAAACACTAGTTTTTCCA-3'
Protein context (NP_000050.3, residues 1759-1779): DSGYLSKNKL[Asp1769Asn]SGIEPVLKNV

ClinVar aggregate classification (germline): Uncertain significance (1 of 4 stars; one submission).

Conditions:
Hereditary breast ovarian cancer syndrome. Also called: Hereditary breast and ovarian cancer syndrome (HBOC); Hereditary breast and ovarian cancer; Breast and ovarian cancer; Hereditary breast and/or ovarian cancer syndrome; BRCA1- and BRCA2-Associated Hereditary Breast and Ovarian Cancer; Hereditary breast and ovarian cancer syndrome. Identifiers: Orphanet 145, MedGen C0677776, MeSH D061325, MONDO:0003582. Disease mechanism: loss of function.

Submission:

Labcorp Genetics (formerly Invitae), Labcorp
Classification: Uncertain significance for Hereditary breast ovarian cancer syndrome. Last evaluated: 2025-11-11. Review status: criteria provided, single submitter. Criteria: Invitae Variant Classification Sherloc (09022015). Collection method: clinical testing. Allele origin: germline.
Comment: This sequence change replaces aspartic acid, which is acidic and polar, with asparagine, which is neutral and polar, at codon 1769 of the BRCA2 protein (p.Asp1769Asn). This variant is not present in population databases (gnomAD no frequency). This variant has not been reported in the literature in individuals affected with BRCA2-related conditions. Invitae Evidence Modeling of protein sequence and biophysical properties (such as structural, functional, and spatial information, amino acid conservation, physicochemical variation, residue mobility, and thermodynamic stability) indicates that this missense variant is not expected to disrupt BRCA2 protein function with a negative predictive value of 95%. In summary, the available evidence is currently insufficient to determine the role of this variant in disease. Therefore, it has been classified as a Variant of Uncertain Significance.